The following is an entry in ClinVar:

NM_000383.4(AIRE):c.1095+2T>C

Gene: AIRE (autoimmune regulator; plus strand). Cytogenetic location: 21q22.3.
Variant type: single nucleotide variant.
Coding change: c.1095+2T>C on transcript NM_000383.4 (MANE Select); the canonical splice donor site of the intron after coding-DNA position 1095, T replaced by C.
Molecular consequence: splice donor variant.
Genome position (GRCh38, 1-based): chr21:44,292,403, T>C. VCF-style: chr21-44292403-T-C. GRCh37 (hg19) VCF-style: chr21-45712286-T-C.
Identifiers: ClinVar variation 646517 (VCV000646517.16), dbSNP rs760280615, ClinGen allele CA10051919.

ClinVar aggregate classification (germline): Pathogenic/Likely pathogenic. Review status: criteria provided, multiple submitters, no conflicts (2 of 4 stars). 5 submissions from 5 submitters: Pathogenic (2); Likely pathogenic (3). Last evaluated 2026-04-17.

Conditions:
AIRE-related disorder. Also called: AIRE-related condition.
Polyglandular autoimmune syndrome, type 1 (APS1). Also called: Autoimmune polyendocrinopathy syndrome, type I; AUTOIMMUNE POLYENDOCRINE SYNDROME, TYPE I, WITH OR WITHOUT REVERSIBLE METAPHYSEAL DYSPLASIA; Autoimmune polyendocrinopathy syndrome , type I, with or without reversible metaphyseal dysplasia; APS I; HYPOADRENOCORTICISM WITH HYPOPARATHYROIDISM AND SUPERFICIAL MONILIASIS; PGA I. Identifiers: Orphanet 3453, MedGen C0085859, MONDO:0009411, OMIM 240300.

Allele frequency attached by ClinVar (database versions not stated): ExAC below 0.00001; gnomAD exomes 0.00003 and 0.00017; TOPMed 0.00005; gnomAD 0.00008 and 0.00009.
gnomAD v4.1: 250 of 1,547,592 alleles (0.016%); highest among the groups gnomAD compares: Non-Finnish European, 0.021%; no homozygotes.

Submissions (5):

PreventionGenetics, part of Exact Sciences
Classification: Likely pathogenic for AIRE-related condition. Last evaluated: 2026-04-17. Review status: criteria provided, single submitter. Criteria: ACMG Guidelines, 2015. Collection method: clinical testing. Allele origin: germline.
Comment: The AIRE c.1095+2T>C variant is predicted to disrupt the GT donor site and interfere with normal splicing. This variant has been reported in the homozygous state in an individual with autoimmune polyendocrinopathy-candidiasis-ectodermal dystrophy (APECED) (Seifi-Alan et al. 2016. PubMed ID: 27105486). It was also reported in the homozygous state, along with two other homozygous variants in AIRE in an individual with autoimmune polyglandular syndrome type 1 (APS-1) (Sajjadi-Jazi et al. 2019. PubMed ID: 31420020). The parents in that patient were confirmed to be heterozygous carriers of the AIRE c.1095+2T>C variant. Additional function studies showed that the patient with the homozygous variant had upregulated AIRE mRNA compared to the other family members with no sign of disease (Sajjadi-Jazi et al. 2019. PubMed ID: 31420020). This variant is reported in 0.018% of alleles in individuals of African descent in gnomAD. Variants that disrupt the consensus splice donor site in AIRE are expected to be pathogenic. This variant is interpreted as likely pathogenic.

Labcorp Genetics (formerly Invitae), Labcorp
Classification: Pathogenic for Polyglandular autoimmune syndrome, type 1. Last evaluated: 2025-12-22. Review status: criteria provided, single submitter. Criteria: Invitae Variant Classification Sherloc (09022015). Collection method: clinical testing. Allele origin: germline.
Comment: This sequence change affects a donor splice site in intron 9 of the AIRE gene. It is expected to disrupt RNA splicing. Variants that disrupt the donor or acceptor splice site typically lead to a loss of protein function (PMID: 16199547), and loss-of-function variants in AIRE are known to be pathogenic (PMID: 11524731, 26141571). This variant is present in population databases (rs760280615, gnomAD 0.02%). Disruption of this splice site has been observed in individuals with autosomal recessive autoimmune polyendocrinopathy syndrome (PMID: 27105486, 31420020). ClinVar contains an entry for this variant (Variation ID: 646517). Algorithms developed to predict the effect of sequence changes on RNA splicing suggest that this variant may disrupt the consensus splice site. For these reasons, this variant has been classified as Pathogenic.

Natera, Inc.
Classification: Pathogenic for Polyglandular autoimmune syndrome type 1. Last evaluated: 2025-09-25. Review status: criteria provided, single submitter. Criteria: Natera Variant Classification Schema (03/2026). Collection method: clinical testing. Allele origin: germline.
Comment: The c.1095+2T>C variant in AIRE is a canonical splice donor site variant predicted to affect pre-mRNA splicing, which may result in an abnormal transcript and altered protein product. This variant is expected to result in nonsense mediated decay, truncation, or a dysfunctional protein product. This variant is rare in the general population with a frequency below the threshold expected for the associated phenotype(s). Another variant at this same site results in an alteration predicted to cause a similar molecular effect has been observed in individual(s) with the associated phenotype. Given the available evidence, this variant is classified as Pathogenic.

Fulgent Genetics
Classification: Likely pathogenic for Polyglandular autoimmune syndrome, type 1. Last evaluated: 2024-04-18. Review status: criteria provided, single submitter. Criteria: ACMG Guidelines, 2015. Collection method: clinical testing. Allele origin: germline.

Blueprint Genetics
Classification: Likely pathogenic for AIRE-related disorders. Last evaluated: 2023-01-18. Review status: criteria provided, single submitter. Criteria: ACMG Guidelines, 2015. Collection method: clinical testing. Allele origin: germline. Affected: yes. Observed: 5 variant alleles.

Literature cited by the submitters: PubMed 16199547 (cited by Labcorp Genetics (formerly Invitae), Labcorp); PubMed 11524731 (cited by Labcorp Genetics (formerly Invitae), Labcorp); PubMed 26141571 (cited by Labcorp Genetics (formerly Invitae), Labcorp); PubMed 27105486 (cited by Labcorp Genetics (formerly Invitae), Labcorp); PubMed 31420020 (cited by Labcorp Genetics (formerly Invitae), Labcorp).